The following is an entry in ClinVar:

ClinVar aggregate classification (germline): Pathogenic/Likely pathogenic. Review status: criteria provided, multiple submitters, no conflicts (2 of 4 stars). 5 submissions from 5 submitters: Pathogenic (3); Likely pathogenic (2). Last evaluated 2025-11-08.

Conditions:
Familial cancer of breast. Also called: BREAST CANCER, FAMILIAL; Hereditary breast cancer; hereditary breast carcinoma. Identifiers: Orphanet 227535, MedGen C0346153, MONDO:0016419, OMIM 114480. Disease mechanism: loss of function.
Hereditary cancer-predisposing syndrome. Also called: Hereditary neoplastic syndrome; Neoplastic Syndromes, Hereditary; Tumor predisposition; Hereditary Cancer Syndrome. Identifiers: Orphanet 140162, MedGen C0027672, MeSH D009386, MONDO:0015356.
Fanconi anemia complementation group J. Also called: BRIP1-Related Fanconi Anemia. Identifiers: Orphanet 84, MedGen C1836860, MONDO:0012187, OMIM 609054.
Hereditary breast ovarian cancer syndrome. Also called: Hereditary breast and ovarian cancer syndrome (HBOC); Breast and ovarian cancer; Hereditary breast and ovarian cancer syndrome; Hereditary breast and ovarian cancer; Hereditary breast and/or ovarian cancer syndrome; BRCA1- and BRCA2-Associated Hereditary Breast and Ovarian Cancer. Identifiers: Orphanet 145, MedGen C0677776, MeSH D061325, MONDO:0003582. Disease mechanism: loss of function.

Submissions (5):

Quest Diagnostics Nichols Institute San Juan Capistrano
Classification: Likely pathogenic. Last evaluated: 2025-11-08. Review status: criteria provided, single submitter. Criteria: Quest Diagnostics criteria. Collection method: clinical testing. Allele origin: unknown.
Comment: The BRIP1 c.1004G>A (p.Trp335*) variant is predicted to cause the premature termination of BRIP1 protein synthesis. The c.1004G>A variant has not been reported in large, multi-ethnic general populations (Genome Aggregation Database). Based on the available information, this variant is classified as likely pathogenic.

Ambry Genetics
Classification: Pathogenic for Hereditary cancer-predisposing syndrome. Last evaluated: 2025-06-13. Review status: criteria provided, single submitter. Criteria: Ambry Variant Classification Scheme 2023. Collection method: clinical testing. Allele origin: germline.
Comment: The p.W335* pathogenic mutation (also known as c.1004G>A), located in coding exon 7 of the BRIP1 gene, results from a G to A substitution at nucleotide position 1004. This changes the amino acid from a tryptophan to a stop codon within coding exon 7. This variant is considered to be rare based on population cohorts in the Genome Aggregation Database (gnomAD). This alteration is expected to result in loss of function by premature protein truncation or nonsense-mediated mRNA decay. As such, this alteration is interpreted as a disease-causing mutation.

Labcorp Genetics (formerly Invitae), Labcorp
Classification: Pathogenic for Familial cancer of breast; Fanconi anemia complementation group J. Last evaluated: 2024-07-15. Review status: criteria provided, single submitter. Criteria: Invitae Variant Classification Sherloc (09022015). Collection method: clinical testing. Allele origin: germline.
Comment: This sequence change creates a premature translational stop signal (p.Trp335*) in the BRIP1 gene. It is expected to result in an absent or disrupted protein product. Loss-of-function variants in BRIP1 are known to be pathogenic (PMID: 16116423, 17033622, 21964575). This variant is not present in population databases (gnomAD no frequency). This variant has not been reported in the literature in individuals affected with BRIP1-related conditions. ClinVar contains an entry for this variant (Variation ID: 483210). Algorithms developed to predict the effect of sequence changes on RNA splicing suggest that this variant may disrupt the consensus splice site. For these reasons, this variant has been classified as Pathogenic.

Myriad Genetics, Inc.
Classification: Pathogenic for Familial cancer of breast. Last evaluated: 2023-06-01. Review status: criteria provided, single submitter. Criteria: Myriad Autosomal Dominant, Autosomal Recessive and X-Linked Classification Criteria (2023). Collection method: clinical testing. Allele origin: unknown.
Comment: This variant is considered pathogenic. This variant creates a termination codon and is predicted to result in premature protein truncation.

Women's Health and Genetics/Laboratory Corporation of America, LabCorp
Classification: Likely pathogenic for Hereditary breast and ovarian cancer syndrome. Last evaluated: 2020-12-04. Review status: criteria provided, single submitter. Criteria: LabCorp Variant Classification Summary - May 2015. Collection method: clinical testing. Allele origin: germline.
Comment: Variant summary: BRIP1 c.1004G>A (p.Trp335X) results in a premature termination codon, predicted to cause a truncation of the encoded protein or absence of the protein due to nonsense mediated decay, which are commonly known mechanisms for disease. Of note, large-scale meta-analyses found that although BRIP1 mutations may confer risk for familial ovarian cancer, they are not associated with increased risk for familial breast cancer (PMID: 29368626, 30733081). Truncations downstream of this position have been classified as pathogenic by our laboratory. The variant was absent in 251324 control chromosomes (gnomAD). To our knowledge, no occurrence of c.1004G>A in individuals affected with Hereditary Breast And Ovarian Cancer Syndrome and no experimental evidence demonstrating its impact on protein function have been reported. Two ClinVar submitters (evaluation after 2014) cite the variant as pathogenic. Based on the evidence outlined above, the variant was classified as likely pathogenic.

Literature cited by the submitters: PubMed 37461096 (cited by Quest Diagnostics Nichols Institute San Juan Capistrano); PubMed 16116423 (cited by Labcorp Genetics (formerly Invitae), Labcorp); PubMed 17033622 (cited by Labcorp Genetics (formerly Invitae), Labcorp); PubMed 21964575 (cited by Labcorp Genetics (formerly Invitae), Labcorp).

NM_032043.3(BRIP1):c.1004G>A (p.Trp335Ter)

Gene: BRIP1 (BRCA1 interacting DNA helicase 1; minus strand). Cytogenetic location: 17q23.2.
Variant type: single nucleotide variant.
Coding change: c.1004G>A on transcript NM_032043.3 (MANE Select); coding-DNA position 1004, G replaced by A.
Protein change: p.Trp335Ter; replaces tryptophan 335 with a stop codon.
Molecular consequence: nonsense.
Genome position (GRCh38, 1-based): chr17:61,801,389, C>T on the plus strand (G>A on the coding strand, the complement: BRIP1 is on the minus strand). VCF-style: chr17-61801389-C-T. GRCh37 (hg19) VCF-style: chr17-59878750-C-T.
Other names: short protein forms W335*.
Identifiers: ClinVar variation 483210 (VCV000483210.20), dbSNP rs1555607749, ClinGen allele CA400484136.